The following is an entry in ClinVar:

ClinVar aggregate classification (germline): Uncertain significance. Review status: criteria provided, multiple submitters, no conflicts (2 of 4 stars). 2 submissions from 2 submitters: Uncertain significance (2). Last evaluated 2022-11-07.

Conditions:
Inborn genetic diseases. Identifiers: MedGen C0950123, MeSH D030342.
Mucopolysaccharidosis, MPS-IV-B (MPS4B). Also called: Mucopolysaccharidosis type IV B; Mucopolysaccharidosis Type IVB; Mucopolysaccharidosis type 4B; Mucopolysaccharidosis type IVB (Morquio); MPS IVB; MORQUIO SYNDROME B. Identifiers: Orphanet 309310, Orphanet 582, MedGen C0086652, MONDO:0009660, OMIM 253010.
GM1 gangliosidosis. Identifiers: Orphanet 354, MedGen C0085131, MONDO:0018149.

Allele frequency attached by ClinVar (database versions not stated): ExAC 0.00001; gnomAD exomes 0.00001; gnomAD 0.00003 and 0.00004; TOPMed 0.00003.
gnomAD v4.1: 16 of 1,613,026 alleles (0.00099%); highest among the groups gnomAD compares: Admixed American, 0.0083%; no homozygotes.

Submissions (2):

Ambry Genetics
Classification: Uncertain significance for Inborn genetic diseases. Last evaluated: 2022-11-07. Review status: criteria provided, single submitter. Criteria: Ambry Variant Classification Scheme 2023. Collection method: clinical testing. Allele origin: germline.

Labcorp Genetics (formerly Invitae), Labcorp
Classification: Uncertain significance for Mucopolysaccharidosis, MPS-IV-B; GM1 gangliosidosis. Last evaluated: 2021-08-31. Review status: criteria provided, single submitter. Criteria: Invitae Variant Classification Sherloc (09022015). Collection method: clinical testing. Allele origin: germline.
Comment: This sequence change replaces arginine with glutamine at codon 351 of the GLB1 protein (p.Arg351Gln). The arginine residue is highly conserved and there is a small physicochemical difference between arginine and glutamine. This variant is present in population databases (rs761601513, ExAC 0.001%). This variant has not been reported in the literature in individuals affected with GLB1-related conditions. Algorithms developed to predict the effect of missense changes on protein structure and function are either unavailable or do not agree on the potential impact of this missense change (SIFT: "Deleterious"; PolyPhen-2: "Possibly Damaging"; Align-GVGD: "Class C0"). In summary, the available evidence is currently insufficient to determine the role of this variant in disease. Therefore, it has been classified as a Variant of Uncertain Significance.

NM_000404.4(GLB1):c.1052G>A (p.Arg351Gln)

Gene: GLB1 (galactosidase beta 1; minus strand). Cytogenetic location: 3p22.3.
Variant type: single nucleotide variant.
Coding change: c.1052G>A on transcript NM_000404.4 (MANE Select); coding-DNA position 1052, G replaced by A.
Protein change: p.Arg351Gln; replaces arginine 351 with glutamine.
Molecular consequence: missense variant.
Genome position (GRCh38, 1-based): chr3:33,046,136, C>T on the plus strand (G>A on the coding strand, the complement: GLB1 is on the minus strand). VCF-style: chr3-33046136-C-T. GRCh37 (hg19) VCF-style: chr3-33087628-C-T.
Other names: c.962G>A, p.Arg321Gln (NM_001079811.3); c.659G>A, p.Arg220Gln (NM_001135602.3); c.1196G>A, p.Arg399Gln (NM_001317040.2); c.1052G>A (NM_000404.2); short protein forms R220Q, R321Q, R351Q, R399Q.
Identifiers: ClinVar variation 1062142 (VCV001062142.4), dbSNP rs761601513, ClinGen allele CA2299519.